The following is an entry in ClinVar:

NM_052947.4(ALPK2):c.6281C>A (p.Ala2094Glu)

Gene: ALPK2 (alpha kinase 2; minus strand). Cytogenetic location: 18q21.31.
Variant type: single nucleotide variant.
Coding change: c.6281C>A on transcript NM_052947.4 (MANE Select); coding-DNA position 6281, C replaced by A.
Protein change: p.Ala2094Glu; replaces alanine 2094 with glutamic acid.
Molecular consequence: missense variant.
Genome position (GRCh38, 1-based): chr18:58,498,064, G>T on the plus strand (C>A on the coding strand, the complement: ALPK2 is on the minus strand). VCF-style: chr18-58498064-G-T. GRCh37 (hg19) VCF-style: chr18-56165296-G-T.
Other names: short protein forms A2094E.
Identifiers: ClinVar variation 1752602 (VCV001752602.2), dbSNP rs2518851768, ClinGen allele CA402541892.

ClinVar aggregate classification (germline): Uncertain significance (1 of 4 stars; one submission).

Allele frequency attached by ClinVar (database versions not stated): gnomAD exomes below 0.00001.
gnomAD v4.1: 1 of 1,614,116 alleles (0.000062%); highest among the groups gnomAD compares: Non-Finnish European, 0.000085%; no homozygotes.

Submission:

Ambry Genetics
Classification: Uncertain significance. Last evaluated: 2022-10-27. Review status: criteria provided, single submitter. Criteria: Ambry Variant Classification Scheme 2023. Collection method: clinical testing. Allele origin: germline.
Comment: The p.A2094E variant (also known as c.6281C>A), located in coding exon 11 of the ALPK2 gene, results from a C to A substitution at nucleotide position 6281. The alanine at codon 2094 is replaced by glutamic acid, an amino acid with dissimilar properties. This amino acid position is conserved. In addition, the in silico prediction for this alteration is inconclusive. Since supporting evidence is limited at this time, the clinical significance of this alteration remains unclear.